The following is an entry in ClinVar:

ClinVar aggregate classification (germline): Uncertain significance (1 of 4 stars; one submission).

Submission:

GeneDx
Classification: Uncertain significance. Last evaluated: 2024-07-26. Review status: criteria provided, single submitter. Criteria: GeneDx Variant Classification Process June 2021. Collection method: clinical testing. Allele origin: germline. Affected: yes.
Comment: Not observed at significant frequency in large population cohorts (gnomAD); In silico analysis supports that this missense variant has a deleterious effect on protein structure/function; Has not been previously published as pathogenic or benign to our knowledge

NM_006516.4(SLC2A1):c.140C>A (p.Thr47Lys)

Gene: SLC2A1 (solute carrier family 2 member 1; minus strand). Cytogenetic location: 1p34.2.
Variant type: single nucleotide variant.
Coding change: c.140C>A on transcript NM_006516.4 (MANE Select); coding-DNA position 140, C replaced by A.
Protein change: p.Thr47Lys; replaces threonine 47 with lysine.
Molecular consequence: missense variant.
Genome position (GRCh38, 1-based): chr1:42,931,181, G>T on the plus strand (C>A on the coding strand, the complement: SLC2A1 is on the minus strand). VCF-style: chr1-42931181-G-T. GRCh37 (hg19) VCF-style: chr1-43396852-G-T.
Other names: short protein forms T47K.
Identifiers: ClinVar variation 3602288 (VCV003602288.1).